The following is an entry in ClinVar:

ClinVar aggregate classification (germline): Pathogenic (1 of 4 stars; one submission).

Conditions:
OCRL-related disorder. Also called: OCRL-related condition.

Submission:

PreventionGenetics, part of Exact Sciences
Classification: Pathogenic for OCRL-related condition. Last evaluated: 2023-03-31. Review status: criteria provided, single submitter. Criteria: ACMG Guidelines, 2015. Collection method: clinical testing. Allele origin: germline.
Comment: The OCRL c.260delA variant is predicted to result in a frameshift and premature protein termination (p.Gln87Argfs*19). This variant was reported in two individual with Dent disease (reported as Q70RfsX88 in Utsch et al. 2006. PubMed ID: 17162149; Gianesello et al. 2021. PubMed ID: 34680992). This variant has not been reported in a large population database, indicating this variant is rare. Frameshift variants in OCRL are expected to be pathogenic. This variant is interpreted as pathogenic.

NM_000276.4(OCRL):c.260del (p.Gln87fs)

Gene: OCRL (OCRL inositol polyphosphate-5-phosphatase; plus strand). Cytogenetic location: Xq26.1.
Variant type: Deletion.
Coding change: c.260del on transcript NM_000276.4 (MANE Select); coding-DNA position 260, one base deleted (A; older notation c.260delA).
Protein change: p.Gln87fs; shifts the reading frame from glutamine 87.
Molecular consequence: frameshift variant.
Genome position (GRCh38, 1-based): chrX:129,557,346, A deleted. VCF-style (leftmost placement, unchanged base first): chrX-129557345-CA-C. GRCh37 (hg19) VCF-style: chrX-128691322-CA-C.
Other names: c.263del, p.Gln88fs (NM_001318784.2); c.260del, p.Gln87fs (NM_001587.4); short protein forms Q87fs, Q88fs.
Identifiers: ClinVar variation 2633832 (VCV002633832.2), dbSNP rs2521872975, ClinGen allele CA2695197182.
Genomic context (GRCh38, chrX:129,557,345, plus strand): 5'-ATCCCATAGCAGTATATGTATGGATTTCAATTCTTTTTAGGTGGCTGCAAAATTCGGGTT[CA>C]GGGGGACTGGATCAGAGAGCGCCGCTTTGAAATCCCTGATGAGGAACACTGTTTGAAGTT-3'